The following is an entry in ClinVar:

ClinVar aggregate classification (germline): Uncertain significance (1 of 4 stars; one submission).

Submission:

Dasa
Classification: Uncertain significance. Last evaluated: 2025-07-01. Review status: criteria provided, single submitter. Criteria: DASA Assertion Criteria. Collection method: clinical testing. Allele origin: germline.
Comment: NM_032119.4(ADGRV1):c.1691C>T (p.Ala564Val) is a missense variant that results in the substitution of alanine with valine. This variant is absent from population databases. Computational prediction algorithms are consistent with a benign effect. The currently available literature and clinical evidence are not sufficient to establish a definitive association between this variant and the reported condition. Therefore, this variant is classified as a variant of uncertain significance.

NM_032119.4(ADGRV1):c.1691C>T (p.Ala564Val)

Gene: ADGRV1 (adhesion G protein-coupled receptor V1; plus strand). Cytogenetic location: 5q14.3.
Variant type: single nucleotide variant.
Coding change: c.1691C>T on transcript NM_032119.4 (MANE Select); coding-DNA position 1691, C replaced by T.
Protein change: p.Ala564Val; replaces alanine 564 with valine.
Molecular consequence: missense variant. On other transcripts: non-coding transcript variant (1).
Genome position (GRCh38, 1-based): chr5:90,629,391, C>T. VCF-style: chr5-90629391-C-T. GRCh37 (hg19) VCF-style: chr5-89925208-C-T.
Other names: short protein forms A564V.
Identifiers: ClinVar variation 4886696 (VCV004886696.2).
Genomic context (GRCh38, chr5:90,629,391, plus strand): 5'-TAGGAGGGACTAAAGGAGATGTGAGGTTGCTTTATTCTGTACTTTACATTCCTGCTGGAG[C>T]TGTGGACCCCTTGCAAGCAAAAGAAGGCATCTTAAATATATCAAGGAGAAATGACCTCAT-3'
Protein context (NP_115495.3, residues 554-574): LYSVLYIPAG[Ala564Val]VDPLQAKEGI